The following is an entry in ClinVar:

ClinVar aggregate classification (germline): Pathogenic (1 of 4 stars; one submission).

Submission:

Labcorp Genetics (formerly Invitae), Labcorp
Classification: Pathogenic. Last evaluated: 2024-08-21. Review status: criteria provided, single submitter. Criteria: Invitae Variant Classification Sherloc (09022015). Collection method: clinical testing. Allele origin: germline.
Comment: This sequence change creates a premature translational stop signal (p.Arg881Serfs*6) in the TET2 gene. It is expected to result in an absent or disrupted protein product. Loss-of-function variants in TET2 are known to be pathogenic (PMID: 36066697). This variant is not present in population databases (gnomAD no frequency). This variant has not been reported in the literature in individuals affected with TET2-related conditions. For these reasons, this variant has been classified as Pathogenic.

Literature cited by the submitters: PubMed 36066697.

NM_001127208.3(TET2):c.2643_2683del (p.Arg881fs)

Genes: TET2 (tet methylcytosine dioxygenase 2; plus strand), TET2-AS1 (TET2 antisense RNA 1; minus strand). Cytogenetic location: 4q24.
Variant type: Deletion.
Coding change: c.2643_2683del on transcript NM_001127208.3 (MANE Select); coding-DNA positions 2643 to 2683, 41 bases deleted.
Protein change: p.Arg881fs; shifts the reading frame from arginine 881.
Molecular consequence: frameshift variant.
Genome position (GRCh38, 1-based): chr4:105,236,585-105,236,625, 41 bases deleted; deleting any 41 consecutive bases within chr4:105,236,582-105,236,625 gives the same sequence; the c. name uses the placement nearest the transcript's 3' end. GRCh37 (hg19): chr4:106,157,742-106,157,782.
Other names: c.2643_2683del, p.Arg881fs (NM_017628.4); short protein forms R881fs.
Identifiers: ClinVar variation 3663209 (VCV003663209.2).